The following is an entry in ClinVar:

ClinVar aggregate classification (germline): Conflicting classifications of pathogenicity. Review status: criteria provided, conflicting classifications (1 of 4 stars). 2 submissions from 2 submitters: Uncertain significance (1); Likely benign (1). Last evaluated 2025-11-05.

Conditions:
Cardiovascular phenotype. Identifiers: MedGen CN230736.
Long QT syndrome (LQTS). Identifiers: MedGen C0023976, MeSH D008133, MONDO:0002442. Disease mechanism: loss of function. Inheritance: Various modes of inheritance.

Allele frequency attached by ClinVar (database versions not stated): gnomAD exomes 0.00001 and 0.00002; TOPMed 0.00001; gnomAD 0.00003.
gnomAD v4.1: 12 of 1,614,002 alleles (0.00074%); highest among the groups gnomAD compares: East Asian, 0.0067%; no homozygotes.

Submissions (2):

Ambry Genetics
Classification: Likely benign for Cardiovascular phenotype. Last evaluated: 2025-11-05. Review status: criteria provided, single submitter. Criteria: Ambry Variant Classification Scheme 2023. Collection method: clinical testing. Allele origin: germline.

Labcorp Genetics (formerly Invitae), Labcorp
Classification: Uncertain significance for Long QT syndrome. Last evaluated: 2023-06-05. Review status: criteria provided, single submitter. Criteria: Invitae Variant Classification Sherloc (09022015). Collection method: clinical testing. Allele origin: germline.
Comment: This sequence change replaces threonine, which is neutral and polar, with methionine, which is neutral and non-polar, at codon 3148 of the AKAP9 protein (p.Thr3148Met). This variant is present in population databases (no rsID available, gnomAD 0.006%). This missense change has been observed in individual(s) with atrioventricular nodal reentry tachycardia (PMID: 32508047). This variant is also known as p.Thr3193Met. ClinVar contains an entry for this variant (Variation ID: 240265). An algorithm developed to predict the effect of missense changes on protein structure and function (PolyPhen-2) suggests that this variant is likely to be disruptive. In summary, the available evidence is currently insufficient to determine the role of this variant in disease. Therefore, it has been classified as a Variant of Uncertain Significance.

Literature cited by the submitters: PubMed 32508047 (cited by Labcorp Genetics (formerly Invitae), Labcorp).

NM_005751.5(AKAP9):c.9443C>T (p.Thr3148Met)

Gene: AKAP9 (A-kinase anchoring protein 9; plus strand). Cytogenetic location: 7q21.2.
Variant type: single nucleotide variant.
Coding change: c.9443C>T on transcript NM_005751.5 (MANE Select); coding-DNA position 9443, C replaced by T.
Protein change: p.Thr3148Met; replaces threonine 3148 with methionine.
Molecular consequence: missense variant.
Genome position (GRCh38, 1-based): chr7:92,093,181, C>T. VCF-style: chr7-92093181-C-T. GRCh37 (hg19) VCF-style: chr7-91722495-C-T.
Other names: c.4088C>T, p.Thr1363Met (NM_001379277.1); c.9419C>T, p.Thr3140Met (NM_147185.3); short protein forms T3148M, T3140M, T1363M.
Identifiers: ClinVar variation 240265 (VCV000240265.12), dbSNP rs878854812, ClinGen allele CA10582549.
Genomic context (GRCh38, chr7:92,093,181, plus strand): 5'-AGAAGCAGTCTCAAATGCTGGAGATGCAAGTGGAGCTCAGCAGTATGAAAGACAGAGCAA[C>T]GGAACTGCAGGAGCAGCTGAGTTCTGAGAAAATGGTGGTTGCTGAACTGAAGAGTGAGCT-3'
Protein context (NP_005742.4, residues 3138-3158): VELSSMKDRA[Thr3148Met]ELQEQLSSEK